The following is an entry in ClinVar:

NM_001253697.2(ERBIN):c.3634-3256A>T

Gene: ERBIN (erbb2 interacting protein; plus strand). Cytogenetic location: 5q12.3.
Variant type: single nucleotide variant.
Coding change: c.3634-3256A>T on transcript NM_001253697.2 (MANE Select); 3256 bases into the intron before coding-DNA position 3634, A replaced by T.
Molecular consequence: intron variant. On other transcripts: missense variant (1).
Genome position (GRCh38, 1-based): chr5:66,068,913, A>T. VCF-style: chr5-66068913-A-T. GRCh37 (hg19) VCF-style: chr5-65364741-A-T.
Other names: c.3670A>T, p.Thr1224Ser (NM_001253699.2); c.3634-6111A>T (NM_018695.4, NM_001253698.2); c.3634-7403A>T (NM_001006600.3); c.3622-6111A>T (NM_001253701.2); short protein forms T1224S.
Identifiers: ClinVar variation 2630213 (VCV002630213.1), dbSNP rs552177854, ClinGen allele CA359870348.

ClinVar aggregate classification (germline): Uncertain significance (1 of 4 stars; one submission).

Conditions:
ERBIN-related disorder. Also called: ERBIN-related condition.

gnomAD v4.1: 36 of 1,535,674 alleles (0.0023%); highest among the groups gnomAD compares: Non-Finnish European, 0.0031%; no homozygotes.

Submission:

PreventionGenetics, part of Exact Sciences
Classification: Uncertain significance for ERBIN-related condition. Last evaluated: 2023-02-20. Review status: criteria provided, single submitter. Criteria: ACMG Guidelines, 2015. Collection method: clinical testing. Allele origin: germline.
Comment: The ERBIN c.3670A>T variant is predicted to result in the amino acid substitution p.Thr1224Ser. To our knowledge, this variant has not been reported in the literature. This variant is reported in 0.0057% of alleles in individuals of European (Non-Finnish) descent in gnomAD. At this time, the clinical significance of this variant is uncertain due to the absence of conclusive functional and genetic evidence.